The following is an entry in ClinVar:

ClinVar aggregate classification (germline): Likely pathogenic. Review status: criteria provided, single submitter (1 of 4 stars). 2 submissions from 2 submitters: Likely pathogenic (1). 1 of the submissions does not count toward it. Last evaluated 2021-11-15.

Conditions:
Kohlschutter-Tonz syndrome-like. Also called: DEN HOED-DE BOER-VOISIN SYNDROME. Identifiers: MedGen C5543202, MONDO:0030990, OMIM 619229.
Inborn genetic diseases. Identifiers: MedGen C0950123, MeSH D030342.

Submissions (2):

Ambry Genetics
Classification: Likely pathogenic for Inborn genetic diseases. Last evaluated: 2021-11-15. Review status: criteria provided, single submitter. Criteria: Ambry Variant Classification Scheme 2023. Collection method: clinical testing. Allele origin: germline.
Comment: The c.1259A>G (p.Q420R) alteration is located in exon 8 (coding exon 7) of the SATB1 gene. This alteration results from an A to G substitution at nucleotide position 1259, causing the glutamine (Q) at amino acid position 420 to be replaced by an arginine (R). This variant was not reported in population-based cohorts in the Genome Aggregation Database (gnomAD). This alteration has been reported as de novo in an individual with developmental delay, moderate intellectual disability, motor delay, speech delay, dysarthria, epilepsy, spastic diplegia, behavioral issues including anxiety and chaotic behavior, sleep disturbances, brain MRI abnormalities, dental anomalies, astigmatism, gastrointestinal abnormalities, chronic esophagitis, and obesity (den Hoed, 2021). This amino acid position is highly conserved in available vertebrate species. The p.Q420 amino acid is located in the CUTr1 domain which is involved in binding to the matrix attachment region (MAR) of DNA (reviewed in Yamasaki, 2016). The p.Q420R alteration is located between p.S419 and p.S421 which are involved in making contact with the sugar phosphate backbone of target DNA via hydrogen bonds (Yamaguchi, 2006; Yamasaki, 2007). Mutations at a few of the residues in the MAR-binding domain result in reduced binding to DNA, which in turn could affect the regulation of target gene expression (Yamaguchi, 2006). Based on internal structural analysis, the p.Q420R alteration does not decrease the structure stability (Yamaguchi, 2006). In vitro studies showed the p.Q420R SATB1 localized in a cage-like clustered nuclear pattern and demonstrated an increased transcriptional repression of the IL2-promoter and IgH-MAR. Dimerization ability with wildtype SATB1 was not significantly affected by this alteration, although fluorescent recovery after photobleaching (FRAP) assays suggested reduced protein mobility in the nucleus (den Hoed, 2021). This alteration is predicted to be tolerated by in silico analysis. Based on the available evidence, this alteration is classified as likely pathogenic.

OMIM
Classification: Pathogenic for DEN HOED-DE BOER-VOISIN SYNDROME. Last evaluated: 2023-07-05. Review status: no assertion criteria provided. Collection method: literature only. Allele origin: germline. Not counted in ClinVar's aggregate classification.

Literature cited by the submitters: PubMed 16371359 (cited by Ambry Genetics); PubMed 17652321 (cited by Ambry Genetics); PubMed 27462121 (cited by Ambry Genetics); PubMed 33513338 (cited by Ambry Genetics and OMIM).

NM_002971.6(SATB1):c.1259A>G (p.Gln420Arg)

Gene: SATB1 (SATB homeobox 1; minus strand). Cytogenetic location: 3p24.3.
Variant type: single nucleotide variant.
Coding change: c.1259A>G on transcript NM_002971.6 (MANE Select); coding-DNA position 1259, A replaced by G.
Protein change: p.Gln420Arg; replaces glutamine 420 with arginine.
Molecular consequence: missense variant.
Genome position (GRCh38, 1-based): chr3:18,386,559, T>C on the plus strand (A>G on the coding strand, the complement: SATB1 is on the minus strand). VCF-style: chr3-18386559-T-C. GRCh37 (hg19) VCF-style: chr3-18428051-T-C.
Other names: c.1259A>G, p.Gln420Arg (NM_001131010.4, NM_001195470.3, NM_001322871.2 and 4 more transcripts); c.1043A>G, p.Gln348Arg (NM_001322876.2); short protein forms Q348R, Q420R.
Identifiers: ClinVar variation 985375 (VCV000985375.9), dbSNP rs1291314034, ClinGen allele CA351855251.